The following is an entry in ClinVar:

NM_006904.7(PRKDC):c.6394A>G (p.Lys2132Glu)

Gene: PRKDC (protein kinase, DNA-activated, catalytic subunit; minus strand). Cytogenetic location: 8q11.21.
Variant type: single nucleotide variant.
Coding change: c.6394A>G on transcript NM_006904.7 (MANE Select); coding-DNA position 6394, A replaced by G.
Protein change: p.Lys2132Glu; replaces lysine 2132 with glutamic acid.
Molecular consequence: missense variant.
Genome position (GRCh38, 1-based): chr8:47,858,587, T>C on the plus strand (A>G on the coding strand, the complement: PRKDC is on the minus strand). VCF-style: chr8-47858587-T-C. GRCh37 (hg19) VCF-style: chr8-48771148-T-C.
Other names: c.6394A>G, p.Lys2132Glu (NM_001081640.2); short protein forms K2132E.
Identifiers: ClinVar variation 4742890 (VCV004742890.1).
Genomic context (GRCh38, chr8:47,858,587, plus strand): 5'-TAATAACAAGCTTGGCTAAGAAGAGACGGATATTTAATGGTACTATTGGATTTCCCAGTT[T>C]GCCATGGAGGAATTTCATCCAAGAAGGAAGATCTCTTGGCACTGAATCCTAAAATAAAAC-3'
Protein context (NP_008835.5, residues 2122-2142): LPSWMKFLHG[Lys2132Glu]LGNPIVPLNI

ClinVar aggregate classification (germline): Uncertain significance (1 of 4 stars; one submission).

Conditions:
Severe combined immunodeficiency due to DNA-PKcs deficiency. Also called: IMMUNODEFICIENCY 26 WITH NEUROLOGIC ABNORMALITIES; Immunodeficiency 26 with or without neurologic abnormalities. Identifiers: Orphanet 317425, MedGen C4014833, MONDO:0014423, OMIM 615966.

Submission:

Labcorp Genetics (formerly Invitae), Labcorp
Classification: Uncertain significance for Severe combined immunodeficiency due to DNA-PKcs deficiency. Last evaluated: 2025-02-20. Review status: criteria provided, single submitter. Criteria: Invitae Variant Classification Sherloc (09022015). Collection method: clinical testing. Allele origin: germline.
Comment: This sequence change replaces lysine, which is basic and polar, with glutamic acid, which is acidic and polar, at codon 2132 of the PRKDC protein (p.Lys2132Glu). This variant is not present in population databases (gnomAD no frequency). This variant has not been reported in the literature in individuals affected with PRKDC-related conditions. Invitae Evidence Modeling of protein sequence and biophysical properties (such as structural, functional, and spatial information, amino acid conservation, physicochemical variation, residue mobility, and thermodynamic stability) indicates that this missense variant is expected to disrupt PRKDC protein function with a positive predictive value of 80%. In summary, the available evidence is currently insufficient to determine the role of this variant in disease. Therefore, it has been classified as a Variant of Uncertain Significance.